The following is an entry in ClinVar:

NM_024570.4(RNASEH2B):c.617-7C>G

Gene: RNASEH2B (ribonuclease H2 subunit B; plus strand). Cytogenetic location: 13q14.3.
Variant type: single nucleotide variant.
Coding change: c.617-7C>G on transcript NM_024570.4 (MANE Select); 7 bases into the intron before coding-DNA position 617, C replaced by G.
Molecular consequence: intron variant.
Genome position (GRCh38, 1-based): chr13:50,947,980, C>G. VCF-style: chr13-50947980-C-G. GRCh37 (hg19) VCF-style: chr13-51522116-C-G.
Other names: p.?; c.617-7C>G (NM_001142279.2).
Identifiers: ClinVar variation 1542480 (VCV001542480.9), dbSNP rs367604928, ClinGen allele CA249998456.

ClinVar aggregate classification (germline): Likely benign. Review status: criteria provided, multiple submitters, no conflicts (2 of 4 stars). 2 submissions from 2 submitters: Likely benign (2). Last evaluated 2025-12-11.

Conditions:
Aicardi-Goutieres syndrome 2. Identifiers: Orphanet 51, MedGen C3489724, MONDO:0012429, OMIM 610181.

Allele frequency attached by ClinVar (database versions not stated): gnomAD exomes 0.00001 and 0.00010; gnomAD 0.00003; TOPMed 0.00003; ESP Exome Variant Server 0.00008; 1000 Genomes Project 30x 0.00016; 1000 Genomes Project 0.00020.
gnomAD v4.1: 139 of 1,606,436 alleles (0.0087%); highest among the groups gnomAD compares: Non-Finnish European, 0.012%; no homozygotes.

Submissions (2):

Labcorp Genetics (formerly Invitae), Labcorp
Classification: Likely benign for Aicardi-Goutieres syndrome 2. Last evaluated: 2025-12-11. Review status: criteria provided, single submitter. Criteria: Invitae Variant Classification Sherloc (09022015). Collection method: clinical testing. Allele origin: germline.

Mayo Clinic Laboratories, Mayo Clinic
Classification: Likely benign. Last evaluated: 2025-07-08. Review status: criteria provided, single submitter. Criteria: ACMG Guidelines, 2015. Collection method: clinical testing. Allele origin: germline. Observed: 1 variant allele.
Comment: BP4, BP7